The following is an entry in ClinVar:

ClinVar aggregate classification (germline): Uncertain significance (1 of 4 stars; one submission).

Conditions:
Spastic paraplegia. Identifiers: MedGen C0037772, HP:0001258.

Submission:

Labcorp Genetics (formerly Invitae), Labcorp
Classification: Uncertain significance for Spastic paraplegia. Last evaluated: 2024-09-12. Review status: criteria provided, single submitter. Criteria: Invitae Variant Classification Sherloc (09022015). Collection method: clinical testing. Allele origin: germline.
Comment: This sequence change replaces glycine, which is neutral and non-polar, with arginine, which is basic and polar, at codon 383 of the GJC2 protein (p.Gly383Arg). This variant is not present in population databases (gnomAD no frequency). This variant has not been reported in the literature in individuals affected with GJC2-related conditions. Invitae Evidence Modeling of protein sequence and biophysical properties (such as structural, functional, and spatial information, amino acid conservation, physicochemical variation, residue mobility, and thermodynamic stability) has been performed for this missense variant. However, the output from this modeling did not meet the statistical confidence thresholds required to predict the impact of this variant on GJC2 protein function. In summary, the available evidence is currently insufficient to determine the role of this variant in disease. Therefore, it has been classified as a Variant of Uncertain Significance.

NM_020435.4(GJC2):c.1147G>A (p.Gly383Arg)

Gene: GJC2 (gap junction protein gamma 2; plus strand). Cytogenetic location: 1q42.13.
Variant type: single nucleotide variant.
Coding change: c.1147G>A on transcript NM_020435.4 (MANE Select); coding-DNA position 1147, G replaced by A.
Protein change: p.Gly383Arg; replaces glycine 383 with arginine.
Molecular consequence: missense variant.
Genome position (GRCh38, 1-based): chr1:228,158,905, G>A. VCF-style: chr1-228158905-G-A. GRCh37 (hg19) VCF-style: chr1-228346606-G-A.
Other names: short protein forms G383R.
Identifiers: ClinVar variation 3622243 (VCV003622243.2).